The following is an entry in ClinVar:

ClinVar aggregate classification (germline): Conflicting classifications of pathogenicity. Review status: criteria provided, conflicting classifications (1 of 4 stars). 4 submissions from 4 submitters: Pathogenic (1); Likely pathogenic (1); Uncertain significance (2). Last evaluated 2025-02-04.

Conditions:
Epilepsy, familial focal, with variable foci 3 (FFEVF3). Identifiers: MedGen C4310708, MONDO:0014925, OMIM 617118.

Allele frequency attached by ClinVar (database versions not stated): gnomAD 0.00001; gnomAD exomes 0.00001 and 0.00005; ExAC 0.00015.
gnomAD v4.1: 20 of 1,544,998 alleles (0.0013%); highest among the groups gnomAD compares: South Asian, 0.024%; no homozygotes.

Submissions (4):

GeneDx
Classification: Uncertain significance. Last evaluated: 2025-02-04. Review status: criteria provided, single submitter. Criteria: GeneDx Variant Classification Process June 2021. Collection method: clinical testing. Allele origin: germline. Affected: yes.
Comment: Canonical splice site variant predicted to result in a null allele in a gene for which loss of function is a known mechanism of disease; Has not been previously published as pathogenic or benign to our knowledge

Labcorp Genetics (formerly Invitae), Labcorp
Classification: Uncertain significance for Epilepsy, familial focal, with variable foci 3. Last evaluated: 2024-09-14. Review status: criteria provided, single submitter. Criteria: Invitae Variant Classification Sherloc (09022015). Collection method: clinical testing. Allele origin: germline.
Comment: This sequence change affects an acceptor splice site in intron 11 of the NPRL3 gene. However, it is currently unclear if variants that occur in this region of the gene cause disease. This variant is present in population databases (rs756257487, gnomAD 0.03%). This variant has not been reported in the literature in individuals affected with NPRL3-related conditions. ClinVar contains an entry for this variant (Variation ID: 1324819). Variants that disrupt the consensus splice site are a relatively common cause of aberrant splicing (PMID: 17576681, 9536098). Algorithms developed to predict the effect of sequence changes on RNA splicing suggest that this variant may disrupt the consensus splice site. In summary, the available evidence is currently insufficient to determine the role of this variant in disease. Therefore, it has been classified as a Variant of Uncertain Significance.

Revvity Omics, Revvity
Classification: Likely pathogenic for Epilepsy, familial focal, with variable foci 3. Last evaluated: 2021-10-21. Review status: criteria provided, single submitter. Criteria: ACMG Guidelines, 2015. Collection method: clinical testing. Allele origin: germline.

Foundation for Research in Genetics and Endocrinology, FRIGE's Institute of Human Genetics
Classification: Pathogenic for Epilepsy, familial focal, with variable foci 3. Last evaluated: 2021-09-04. Review status: criteria provided, single submitter. Criteria: ACMG Guidelines, 2015. Collection method: clinical testing. Allele origin: germline. Inheritance: Autosomal dominant inheritance. Affected: yes. Observed: 1 heterozygote.
Comment: A heterozygous 3' splice site variation in intron 11 of the NPRL3 gene that affects the invariant AG acceptor splice site of exon 11 was detected. The observed variant c.1162-2A>G has not been reported in the 1000 genomes and has a minor allele frequency of 0.001% in the gnomAD. The in silico prediction of the variant is damaging by MutationTaster2. The reference codon is conserved across species. In summary, the variant meets our criteria to be classified as pathogenic variant.

Literature cited by the submitters: PubMed 17576681 (cited by Labcorp Genetics (formerly Invitae), Labcorp); PubMed 9536098 (cited by Labcorp Genetics (formerly Invitae), Labcorp).

NM_001077350.3(NPRL3):c.1162-2A>G

Genes: HBA-LCR (alpha-globin locus control region; plus strand), NPRL3 (NPR3 like, GATOR1 complex subunit; minus strand). Cytogenetic location: 16p13.3.
Variant type: single nucleotide variant.
Coding change: c.1162-2A>G on transcript NM_001077350.3 (MANE Select); the canonical splice acceptor site of the intron before coding-DNA position 1162, A replaced by G.
Molecular consequence: splice acceptor variant.
Genome position (GRCh38, 1-based): chr16:89,904, T>C on the plus strand (A>G on the coding strand, the complement: NPRL3 is on the minus strand). VCF-style: chr16-89904-T-C. GRCh37 (hg19) VCF-style: chr16-139902-T-C.
Other names: c.928-2A>G (NM_001243247.2); c.1087-2A>G (NM_001243248.2, NM_001243249.2); c.625-2A>G (NM_001039476.3).
Identifiers: ClinVar variation 1324819 (VCV001324819.11), dbSNP rs756257487, ClinGen allele CA7769422.